The following is an entry in ClinVar:

ClinVar aggregate classification (germline): Likely benign (1 of 4 stars; one submission).

gnomAD v4.1: 1 of 149,492 alleles (0.00067%); highest among the groups gnomAD compares: Non-Finnish European, 0.0015%; no homozygotes.

Submission:

CeGaT Center for Human Genetics Tuebingen
Classification: Likely benign. Last evaluated: 2026-03-01. Review status: criteria provided, single submitter. Criteria: CeGaT Center For Human Genetics Tuebingen Variant Classification Criteria Version 2. Collection method: clinical testing. Allele origin: germline. Affected: yes. Observed: 1 variant allele.
Comment: PDE10A: BP4, BP7

NM_001385079.1(PDE10A):c.36C>A (p.Pro12=)

Gene: PDE10A (phosphodiesterase 10A; minus strand). Cytogenetic location: 6q27.
Variant type: single nucleotide variant.
Coding change: c.36C>A on transcript NM_001385079.1 (MANE Select); coding-DNA position 36, C replaced by A.
Protein change: p.Pro12=; no amino-acid change (proline 12 retained).
Molecular consequence: synonymous variant.
Genome position (GRCh38, 1-based): chr6:165,662,776, G>T on the plus strand (C>A on the coding strand, the complement: PDE10A is on the minus strand). VCF-style: chr6-165662776-G-T. GRCh37 (hg19) VCF-style: chr6-166076264-G-T.
Identifiers: ClinVar variation 4823532 (VCV004823532.4).